The following is an entry in ClinVar:

NM_002519.3(NPAT):c.3313T>C (p.Ser1105Pro)

Gene: NPAT (nuclear protein, coactivator of histone transcription; minus strand). Cytogenetic location: 11q22.3.
Variant type: single nucleotide variant.
Coding change: c.3313T>C on transcript NM_002519.3 (MANE Select); coding-DNA position 3313, T replaced by C.
Protein change: p.Ser1105Pro; replaces serine 1105 with proline.
Molecular consequence: missense variant.
Genome position (GRCh38, 1-based): chr11:108,161,773, A>G on the plus strand (T>C on the coding strand, the complement: NPAT is on the minus strand). VCF-style: chr11-108161773-A-G. GRCh37 (hg19) VCF-style: chr11-108032500-A-G.
Other names: c.3334T>C, p.Ser1112Pro (NM_001321307.1); short protein forms S1112P, S1105P.
Identifiers: ClinVar variation 2568001 (VCV002568001.2), dbSNP rs2496696526, ClinGen allele CA382511083.

ClinVar aggregate classification (germline): Uncertain significance (1 of 4 stars; one submission).

Submission:

Ambry Genetics
Classification: Uncertain significance. Last evaluated: 2023-05-14. Review status: criteria provided, single submitter. Criteria: Ambry Variant Classification Scheme 2023. Collection method: clinical testing. Allele origin: germline.
Comment: The p.S1105P variant (also known as c.3313T>C), located in coding exon 17 of the NPAT gene, results from a T to C substitution at nucleotide position 3313. The serine at codon 1105 is replaced by proline, an amino acid with similar properties. This amino acid position is conserved. In addition, this alteration is predicted to be tolerated by in silico analysis. Since supporting evidence is limited at this time, the clinical significance of this alteration remains unclear.